The following is an entry in ClinVar:

ClinVar aggregate classification (germline): Uncertain significance (1 of 4 stars; one submission).

Allele frequency attached by ClinVar (database versions not stated): gnomAD 0.00001; TOPMed 0.00001.
gnomAD v4.1: 5 of 1,591,538 alleles (0.00031%); highest among the groups gnomAD compares: African/African-American, 0.0067%; no homozygotes.

Submission:

Labcorp Genetics (formerly Invitae), Labcorp
Classification: Uncertain significance. Last evaluated: 2025-08-04. Review status: criteria provided, single submitter. Criteria: Invitae Variant Classification Sherloc (09022015). Collection method: clinical testing. Allele origin: germline.
Comment: This sequence change replaces isoleucine, which is neutral and non-polar, with methionine, which is neutral and non-polar, at codon 713 of the PDE6C protein (p.Ile713Met). This variant is present in population databases (no rsID available, gnomAD 0.01%). This missense change has been observed in individual(s) with clinical features of PDE6C-related conditions (internal data). ClinVar contains an entry for this variant (Variation ID: 972372). Invitae Evidence Modeling of protein sequence and biophysical properties (such as structural, functional, and spatial information, amino acid conservation, physicochemical variation, residue mobility, and thermodynamic stability) indicates that this missense variant is not expected to disrupt PDE6C protein function with a negative predictive value of 80%. In summary, the available evidence is currently insufficient to determine the role of this variant in disease. Therefore, it has been classified as a Variant of Uncertain Significance.

NM_006204.4(PDE6C):c.2139T>G (p.Ile713Met)

Gene: PDE6C (phosphodiesterase 6C; plus strand). Cytogenetic location: 10q23.33.
Variant type: single nucleotide variant.
Coding change: c.2139T>G on transcript NM_006204.4 (MANE Select); coding-DNA position 2139, T replaced by G.
Protein change: p.Ile713Met; replaces isoleucine 713 with methionine.
Molecular consequence: missense variant.
Genome position (GRCh38, 1-based): chr10:93,659,003, T>G. VCF-style: chr10-93659003-T-G. GRCh37 (hg19) VCF-style: chr10-95418760-T-G.
Other names: short protein forms I713M.
Identifiers: ClinVar variation 972372 (VCV000972372.8), dbSNP rs1484346228, ClinGen allele CA377624898.
Genomic context (GRCh38, chr10:93,659,003, plus strand): 5'-AATGCAAACGGAAGAAGAAGCCATCAAATATGTAACTGTTGATCCAACCAAGAAAGAGAT[T>G]ATCATGTAGGTAGTTGAAATTGTATTTCTCTCTTGTTTTTTGTAAAAATAACTTATTTTG-3'
Protein context (NP_006195.3, residues 703-723): YVTVDPTKKE[Ile713Met]IMAMMMTACD